The following is an entry in ClinVar:

ClinVar aggregate classification (germline): Uncertain significance (1 of 4 stars; one submission).

Conditions:
Diencephalic-mesencephalic junction dysplasia syndrome 1 (DMJDS1). Also called: Microcephaly with spastic quadriplegia. Identifiers: MedGen C4538630, MONDO:0009625, OMIM 251280.

gnomAD v4.1: 1 of 1,614,200 alleles (0.000062%); highest among the groups gnomAD compares: Non-Finnish European, 0.000085%; no homozygotes.

Submission:

Baylor Genetics
Classification: Uncertain significance for Diencephalic-mesencephalic junction dysplasia syndrome 1. Last evaluated: 2020-07-27. Review status: criteria provided, single submitter. Criteria: ACMG Guidelines, 2015. Collection method: clinical testing. Allele origin: unknown. Affected: yes.
Comment: This variant was determined to be of uncertain significance according to ACMG Guidelines, 2015 [PMID:25741868].

NM_016580.4(PCDH12):c.1951C>G (p.Pro651Ala)

Genes: PCDH12 (protocadherin 12; minus strand), RNF14 (ring finger protein 14; plus strand). Cytogenetic location: 5q31.3.
Variant type: single nucleotide variant.
Coding change: c.1951C>G on transcript NM_016580.4 (MANE Select); coding-DNA position 1951, C replaced by G.
Protein change: p.Pro651Ala; replaces proline 651 with alanine.
Molecular consequence: missense variant.
Genome position (GRCh38, 1-based): chr5:141,955,901, G>C on the plus strand (C>G on the coding strand, the complement: PCDH12 is on the minus strand). VCF-style: chr5-141955901-G-C. GRCh37 (hg19) VCF-style: chr5-141335466-G-C.
Other names: short protein forms P651A.
Identifiers: ClinVar variation 1030564 (VCV001030564.1), dbSNP rs1753174154, ClinGen allele CA361580461.
Genomic context (GRCh38, chr5:141,955,901, plus strand): 5'-ACTCACTCCCAATGAGGCTGCTGGCATTGGTGACATTGACGAACAGCTGCCCCGTATGAG[G>C]GTTGAGGATGAAGAGGTGGGCTTCATTTCCACTGCGGATGCTGTAGAGGGGCTCTCCATT-3'
Protein context (NP_057664.1, residues 641-661): GNEAHLFILN[Pro651Ala]HTGQLFVNVT